The following is an entry in ClinVar:

NM_001365951.3(KIF1B):c.329A>C (p.Lys110Thr)

Gene: KIF1B (kinesin family member 1B; plus strand). Cytogenetic location: 1p36.22.
Variant type: single nucleotide variant.
Coding change: c.329A>C on transcript NM_001365951.3 (MANE Select); coding-DNA position 329, A replaced by C.
Protein change: p.Lys110Thr; replaces lysine 110 with threonine.
Molecular consequence: missense variant.
Genome position (GRCh38, 1-based): chr1:10,258,638, A>C. VCF-style: chr1-10258638-A-C. GRCh37 (hg19) VCF-style: chr1-10318696-A-C.
Other names: c.329A>C, p.Lys110Thr (NM_001365952.1, NM_001365953.1, NM_015074.3 and 1 more transcripts); short protein forms K110T.
Identifiers: ClinVar variation 3661918 (VCV003661918.2).
Genomic context (GRCh38, chr1:10,258,638, plus strand): 5'-ATGTCTGTATTTTTGCCTATGGGCAGACTGGTGCTGGAAAATCTTATACAATGATGGGTA[A>C]ACAAGAAGAAAGCCAGGCTGGCATCATTCCACAGGTGAAAAACAAAACAAAACAAAAATC-3'
Protein context (NP_001352880.1, residues 100-120): GAGKSYTMMG[Lys110Thr]QEESQAGIIP

ClinVar aggregate classification (germline): Uncertain significance (1 of 4 stars; one submission).

Conditions:
Charcot-Marie-Tooth disease type 2. Also called: Charcot-Marie-Tooth type 2. Identifiers: Orphanet 64746, MedGen C0270914, MONDO:0018993.

Submission:

Labcorp Genetics (formerly Invitae), Labcorp
Classification: Uncertain significance for Charcot-Marie-Tooth disease type 2. Last evaluated: 2024-08-11. Review status: criteria provided, single submitter. Criteria: Invitae Variant Classification Sherloc (09022015). Collection method: clinical testing. Allele origin: germline.
Comment: This sequence change replaces lysine, which is basic and polar, with threonine, which is neutral and polar, at codon 110 of the KIF1B protein (p.Lys110Thr). This variant is not present in population databases (gnomAD no frequency). This variant has not been reported in the literature in individuals affected with KIF1B-related conditions. Advanced modeling of protein sequence and biophysical properties (such as structural, functional, and spatial information, amino acid conservation, physicochemical variation, residue mobility, and thermodynamic stability) performed at Invitae indicates that this missense variant is not expected to disrupt KIF1B protein function with a negative predictive value of 80%. In summary, the available evidence is currently insufficient to determine the role of this variant in disease. Therefore, it has been classified as a Variant of Uncertain Significance.